The following is an entry in ClinVar:

ClinVar aggregate classification (germline): Uncertain significance. Review status: criteria provided, multiple submitters, no conflicts (2 of 4 stars). 2 submissions from 2 submitters: Uncertain significance (2). Last evaluated 2020-12-30.

Conditions:
Anophthalmia-microphthalmia syndrome. Also called: Anophthalmia - microphthalmia; Anophthalmia/Microphthalmia. Identifiers: Orphanet 98555, MedGen C5680330, MONDO:0020147.

Submissions (2):

Labcorp Genetics (formerly Invitae), Labcorp
Classification: Uncertain significance for Anophthalmia-microphthalmia syndrome. Last evaluated: 2020-12-30. Review status: criteria provided, single submitter. Criteria: Invitae Variant Classification Sherloc (09022015). Collection method: clinical testing. Allele origin: germline.
Comment: In summary, the available evidence is currently insufficient to determine the role of this variant in disease. Therefore, it has been classified as a Variant of Uncertain Significance. Algorithms developed to predict the effect of missense changes on protein structure and function are either unavailable or do not agree on the potential impact of this missense change (SIFT: "Deleterious"; PolyPhen-2: "Possibly Damaging"; Align-GVGD: "Class C15"). This variant has not been reported in the literature in individuals with OTX2-related conditions. This variant is not present in population databases (ExAC no frequency). This sequence change replaces valine with methionine at codon 71 of the OTX2 protein (p.Val71Met). The valine residue is highly conserved and there is a small physicochemical difference between valine and methionine.

Blueprint Genetics
Classification: Uncertain significance. Last evaluated: 2018-02-12. Review status: criteria provided, single submitter. Criteria: ACMG Guidelines, 2015. Collection method: clinical testing. Allele origin: germline.

NM_021728.4(OTX2):c.235G>A (p.Val79Met)

Gene: OTX2 (orthodenticle homeobox 2; minus strand). Cytogenetic location: 14q22.3.
Variant type: single nucleotide variant.
Coding change: c.235G>A on transcript NM_021728.4 (MANE Select); coding-DNA position 235, G replaced by A.
Protein change: p.Val79Met; replaces valine 79 with methionine.
Molecular consequence: missense variant.
Genome position (GRCh38, 1-based): chr14:56,804,226, C>T on the plus strand (G>A on the coding strand, the complement: OTX2 is on the minus strand). VCF-style: chr14-56804226-C-T. GRCh37 (hg19) VCF-style: chr14-57270944-C-T.
Other names: c.211G>A, p.Val71Met (NM_001270523.2, NM_001270524.2, NM_172337.3); c.235G>A, p.Val79Met (NM_001270525.2); short protein forms V71M, V79M.
Identifiers: ClinVar variation 1513339 (VCV001513339.9), dbSNP rs1434432414, ClinGen allele CA390052320.